The following is an entry in ClinVar:

NC_000003.12:g.169764899T>C

Genes: TERC (telomerase RNA component; minus strand), LOC110806306 (telomerase RNA component (TERC) promoter; plus strand). Cytogenetic location: 3q26.2.
Variant type: single nucleotide variant.
Genome position: GRCh38 VCF-style: chr3-169764899-T-C. GRCh37 (hg19) VCF-style: chr3-169482687-T-C.
Identifiers: ClinVar variation 951188 (VCV000951188.10), dbSNP rs1777962278, ClinGen allele CA436715582.
Genomic context (GRCh38, chr3:169,764,899, plus strand): 5'-ACCCGCCGCAGGTCCCCGGGAGGGGCGAACGGGCCAGCAGCTGACATTTTTTGTTTGCTC[T>C]AGAATGAACGGTGGAAGGCGGCAGGCCGAGGCTTTTCCGCCCGCTGAAAGTCAGCGAGAA-3'

ClinVar aggregate classification (germline): Uncertain significance (1 of 4 stars; one submission).

Conditions:
Dyskeratosis congenita, autosomal dominant 1 (DKCA1). Also called: Dyskeratosis congenita Scoggins type. Identifiers: Orphanet 1775, MedGen C4551974, MONDO:0007485, OMIM 127550. Inheritance: Variable.

Submission:

Labcorp Genetics (formerly Invitae), Labcorp
Classification: Uncertain significance for Dyskeratosis congenita, autosomal dominant 1. Last evaluated: 2022-01-27. Review status: criteria provided, single submitter. Criteria: Invitae Variant Classification Sherloc (09022015). Collection method: clinical testing. Allele origin: germline.
Comment: In summary, the available evidence is currently insufficient to determine the role of this variant in disease. Therefore, it has been classified as a Variant of Uncertain Significance. This variant is located in a region of TERC in which a significant number of disease causing variants have been reported (PMID: 15082312, 21844345, 21931702). These observations suggest that this may be a clinically significant region. This variant is located within the template/pseudoknot domain of the TERC RNA component, which is required for RNA or RNP stability (PMID: 15082312, 21844345). ClinVar contains an entry for this variant (Variation ID: 951188). This variant has not been reported in the literature in individuals affected with TERC-related conditions. This variant is not present in population databases (gnomAD no frequency). This variant occurs in the TERC gene, which encodes an RNA molecule that does not result in a protein product.

Literature cited by the submitters: PubMed 15082312; PubMed 21844345; PubMed 21931702.